The following is an entry in ClinVar:

NM_031935.3(HMCN1):c.8152G>A (p.Asp2718Asn)

Gene: HMCN1 (hemicentin 1; plus strand). Cytogenetic location: 1q31.1.
Variant type: single nucleotide variant.
Coding change: c.8152G>A on transcript NM_031935.3 (MANE Select); coding-DNA position 8152, G replaced by A.
Protein change: p.Asp2718Asn; replaces aspartic acid 2718 with asparagine.
Molecular consequence: missense variant.
Genome position (GRCh38, 1-based): chr1:186,074,753, G>A. VCF-style: chr1-186074753-G-A. GRCh37 (hg19) VCF-style: chr1-186043885-G-A.
Other names: short protein forms D2718N.
Identifiers: ClinVar variation 4770414 (VCV004770414.1).

ClinVar aggregate classification (germline): Uncertain significance (1 of 4 stars; one submission).

gnomAD v4.1: 7 of 1,612,722 alleles (0.00043%); highest among the groups gnomAD compares: East Asian, 0.0022%; no homozygotes.

Submission:

Labcorp Genetics (formerly Invitae), Labcorp
Classification: Uncertain significance. Last evaluated: 2025-09-29. Review status: criteria provided, single submitter. Criteria: Invitae Variant Classification Sherloc (09022015). Collection method: clinical testing. Allele origin: germline.
Comment: This sequence change replaces aspartic acid, which is acidic and polar, with asparagine, which is neutral and polar, at codon 2718 of the HMCN1 protein (p.Asp2718Asn). This variant is present in population databases (rs754443415, gnomAD 0.006%). This variant has not been reported in the literature in individuals affected with HMCN1-related conditions. An algorithm developed to predict the effect of missense changes on protein structure and function (PolyPhen-2) suggests that this variant is likely to be tolerated. In summary, the available evidence is currently insufficient to determine the role of this variant in disease. Therefore, it has been classified as a Variant of Uncertain Significance.